The following is an entry in ClinVar:

ClinVar aggregate classification (germline): Uncertain significance. Review status: criteria provided, multiple submitters, no conflicts (2 of 4 stars). 4 submissions from 4 submitters: Uncertain significance (3). 1 of the submissions does not count toward it. Last evaluated 2026-02-09.

Conditions:
Charcot-Marie-Tooth disease. Also called: Charcot-Marie-Tooth Neuropathy; Charcot-Marie-Tooth Hereditary Neuropathy. Identifiers: Orphanet 166, MedGen C0007959, MONDO:0015626.
PMP22-related disorder. Also called: PMP22-related condition; PMP22-related disorders.
Charcot-Marie-Tooth disease, type I (CMT1). Also called: Charcot-Marie-Tooth disease type 1; Charcot-Marie-Tooth, Type 1. Identifiers: Orphanet 65753, MedGen C0751036, MONDO:0019011.

gnomAD v4.1: 15 of 1,614,026 alleles (0.00093%); highest among the groups gnomAD compares: Admixed American, 0.017%; no homozygotes.

Submissions (4):

PreventionGenetics, part of Exact Sciences
Classification: Uncertain significance for PMP22-related condition. Last evaluated: 2026-02-09. Review status: criteria provided, single submitter. Criteria: ACMG Guidelines, 2015. Collection method: clinical testing. Allele origin: germline.
Comment: The PMP22 c.277G>C variant is predicted to result in the amino acid substitution p.Gly93Arg. This variant was reported in an individual with Charcot-Marie-Tooth disease type 1 (Ohnishi et al. 1995. PubMed ID: 8777804) and functional in vitro studies found it affected protein folding and trafficking efficiency (Schlebach et al. 2015. PubMed ID: 26102530). This variant is reported in 0.026% of alleles in individuals of Latino descent in gnomAD. At this time, the clinical significance of this variant is uncertain due to the absence of conclusive functional and genetic evidence.

Labcorp Genetics (formerly Invitae), Labcorp
Classification: Uncertain significance for Charcot-Marie-Tooth disease, type I. Last evaluated: 2025-04-01. Review status: criteria provided, single submitter. Criteria: Invitae Variant Classification Sherloc (09022015). Collection method: clinical testing. Allele origin: germline.
Comment: This sequence change replaces glycine, which is neutral and non-polar, with arginine, which is basic and polar, at codon 93 of the PMP22 protein (p.Gly93Arg). This variant is present in population databases (rs778693173, gnomAD 0.03%). This missense change has been observed in individual(s) with clinical features of Charcot-Marie-Tooth disease (PMID: 8777804). ClinVar contains an entry for this variant (Variation ID: 637390). Invitae Evidence Modeling of protein sequence and biophysical properties (such as structural, functional, and spatial information, amino acid conservation, physicochemical variation, residue mobility, and thermodynamic stability) indicates that this missense variant is expected to disrupt PMP22 protein function with a positive predictive value of 95%. Experimental studies are conflicting or provide insufficient evidence to determine the effect of this variant on PMP22 function (PMID: 10078969, 12901701, 26102530, 33933451). In summary, the available evidence is currently insufficient to determine the role of this variant in disease. Therefore, it has been classified as a Variant of Uncertain Significance.

GeneDx
Classification: Uncertain significance. Last evaluated: 2024-07-09. Review status: criteria provided, single submitter. Criteria: GeneDx Variant Classification Process June 2021. Collection method: clinical testing. Allele origin: germline. Affected: yes.
Comment: Published in vitro functional studies demonstrate no significant difference in PMP22 protein function is observed in cells with the p.G93R variant (PMID: 10078969, 33933451); In silico analysis supports that this missense variant has a deleterious effect on protein structure/function; This variant is associated with the following publications: (PMID: 32647009, 12901701, 33933451, 32513719, 26102530, 8777804, 33893233, 10330345, 15474367, 10078969)

Inherited Neuropathy Consortium
Classification: Uncertain significance for Charcot-Marie-Tooth disease. Review status: no assertion criteria provided. Collection method: literature only. Allele origin: germline. Affected: yes. Not counted in ClinVar's aggregate classification.

Literature cited by the submitters: PubMed 8777804 (cited by Labcorp Genetics (formerly Invitae), Labcorp and Inherited Neuropathy Consortium); PubMed 10078969 (cited by Labcorp Genetics (formerly Invitae), Labcorp); PubMed 12901701 (cited by Labcorp Genetics (formerly Invitae), Labcorp); PubMed 26102530 (cited by Labcorp Genetics (formerly Invitae), Labcorp); PubMed 33933451 (cited by Labcorp Genetics (formerly Invitae), Labcorp).

NM_000304.4(PMP22):c.277G>C (p.Gly93Arg)

Gene: PMP22 (peripheral myelin protein 22; minus strand). Cytogenetic location: 17p12.
Variant type: single nucleotide variant.
Coding change: c.277G>C on transcript NM_000304.4 (MANE Select); coding-DNA position 277, G replaced by C.
Protein change: p.Gly93Arg; replaces glycine 93 with arginine.
Molecular consequence: missense variant. On other transcripts: non-coding transcript variant (2).
Genome position (GRCh38, 1-based): chr17:15,239,513, C>G on the plus strand (G>C on the coding strand, the complement: PMP22 is on the minus strand). VCF-style: chr17-15239513-C-G. GRCh37 (hg19) VCF-style: chr17-15142830-C-G.
Other names: c.277G>C, p.Gly93Arg (NM_001281455.2, NM_001281456.2, NM_001330143.2 and 2 more transcripts); short protein forms G93R.
Identifiers: ClinVar variation 637390 (VCV000637390.12), dbSNP rs778693173, ClinGen allele CA8403373.